The following is an entry in ClinVar:

ClinVar aggregate classification (germline): Uncertain significance (1 of 4 stars; one submission).

Conditions:
Atrioventricular septal defect 4 (AVSD4). Identifiers: MedGen C3280781, MONDO:0013747, OMIM 614430.

Submission:

Labcorp Genetics (formerly Invitae), Labcorp
Classification: Uncertain significance for Atrioventricular septal defect 4. Last evaluated: 2023-11-13. Review status: criteria provided, single submitter. Criteria: Invitae Variant Classification Sherloc (09022015). Collection method: clinical testing. Allele origin: germline.
Comment: This sequence change replaces alanine, which is neutral and non-polar, with serine, which is neutral and polar, at codon 178 of the GATA4 protein (p.Ala178Ser). This variant is not present in population databases (gnomAD no frequency). This variant has not been reported in the literature in individuals affected with GATA4-related conditions. ClinVar contains an entry for this variant (Variation ID: 1473319). Advanced modeling of protein sequence and biophysical properties (such as structural, functional, and spatial information, amino acid conservation, physicochemical variation, residue mobility, and thermodynamic stability) performed at Invitae indicates that this missense variant is not expected to disrupt GATA4 protein function with a negative predictive value of 80%. In summary, the available evidence is currently insufficient to determine the role of this variant in disease. Therefore, it has been classified as a Variant of Uncertain Significance.

NM_001308093.3(GATA4):c.532G>T (p.Ala178Ser)

Gene: GATA4 (GATA binding protein 4). Cytogenetic location: 8p23.1.
Variant type: single nucleotide variant.
Coding change: c.532G>T on transcript NM_001308093.3 (MANE Select); coding-DNA position 532, G replaced by T.
Protein change: p.Ala178Ser; replaces alanine 178 with serine.
Molecular consequence: missense variant. On other transcripts: intron variant (3).
Genome position (GRCh38, 1-based): chr8:11,708,844, G>T. VCF-style: chr8-11708844-G-T. GRCh37 (hg19) VCF-style: chr8-11566353-G-T.
Other names: c.532G>T, p.Ala178Ser (NM_002052.5); c.-6+8066G>T (NM_001308094.2); c.-3+830G>T (NM_001374274.1); c.-3+4540G>T (NM_001374273.1); short protein forms A178S.
Identifiers: ClinVar variation 1473319 (VCV001473319.6), dbSNP rs1800026498, ClinGen allele CA370309823.